The following is an entry in ClinVar:

ClinVar aggregate classification (germline): Uncertain significance. Review status: criteria provided, multiple submitters, no conflicts (2 of 4 stars). 4 submissions from 4 submitters: Uncertain significance (4). Last evaluated 2025-08-18.

Conditions:
Hereditary cancer-predisposing syndrome. Also called: Neoplastic Syndromes, Hereditary; Tumor predisposition; Hereditary Cancer Syndrome; Hereditary neoplastic syndrome. Identifiers: Orphanet 140162, MedGen C0027672, MeSH D009386, MONDO:0015356.
Endometrial carcinoma. Also called: Endometrial carcinoma, somatic. Identifiers: MedGen C0476089, MONDO:0002447, OMIM 608089, HP:0012114.

Submissions (4):

Labcorp Genetics (formerly Invitae), Labcorp
Classification: Uncertain significance. Last evaluated: 2025-08-18. Review status: criteria provided, single submitter. Criteria: Invitae Variant Classification Sherloc (09022015). Collection method: clinical testing. Allele origin: germline.
Comment: This sequence change replaces valine, which is neutral and non-polar, with methionine, which is neutral and non-polar, at codon 1072 of the MSH3 protein (p.Val1072Met). This variant is not present in population databases (gnomAD no frequency). This variant has not been reported in the literature in individuals affected with MSH3-related conditions. ClinVar contains an entry for this variant (Variation ID: 649827). An algorithm developed to predict the effect of missense changes on protein structure and function (PolyPhen-2) suggests that this variant is likely to be disruptive. In summary, the available evidence is currently insufficient to determine the role of this variant in disease. Therefore, it has been classified as a Variant of Uncertain Significance.

GeneDx
Classification: Uncertain significance. Last evaluated: 2024-12-10. Review status: criteria provided, single submitter. Criteria: GeneDx Variant Classification Process June 2021. Collection method: clinical testing. Allele origin: germline. Affected: yes.
Comment: Not observed at significant frequency in large population cohorts (gnomAD); In silico analysis supports that this missense variant has a deleterious effect on protein structure/function; Has not been previously published as pathogenic or benign to our knowledge

Ambry Genetics
Classification: Uncertain significance for Hereditary cancer-predisposing syndrome. Last evaluated: 2024-11-21. Review status: criteria provided, single submitter. Criteria: Ambry Variant Classification Scheme 2023. Collection method: clinical testing. Allele origin: germline.
Comment: The p.V1072M variant (also known as c.3214G>A), located in coding exon 23 of the MSH3 gene, results from a G to A substitution at nucleotide position 3214. The valine at codon 1072 is replaced by methionine, an amino acid with highly similar properties. This amino acid position is highly conserved in available vertebrate species. In addition, this alteration is predicted to be deleterious by in silico analysis. Since supporting evidence is limited at this time, the clinical significance of this alteration remains unclear.

Baylor Genetics
Classification: Uncertain significance for Endometrial carcinoma. Last evaluated: 2023-12-23. Review status: criteria provided, single submitter. Criteria: ACMG Guidelines, 2015. Collection method: clinical testing. Allele origin: unknown.

NM_002439.5(MSH3):c.3214G>A (p.Val1072Met)

Gene: MSH3 (mutS homolog 3; plus strand). Cytogenetic location: 5q14.1.
Variant type: single nucleotide variant.
Coding change: c.3214G>A on transcript NM_002439.5 (MANE Select); coding-DNA position 3214, G replaced by A.
Protein change: p.Val1072Met; replaces valine 1072 with methionine.
Molecular consequence: missense variant.
Genome position (GRCh38, 1-based): chr5:80,873,199, G>A. VCF-style: chr5-80873199-G-A. GRCh37 (hg19) VCF-style: chr5-80169018-G-A.
Other names: short protein forms V1072M.
Identifiers: ClinVar variation 649827 (VCV000649827.14), dbSNP rs1580104373, ClinGen allele CA360346955.